The following is an entry in ClinVar:

ClinVar aggregate classification (germline): Likely benign. Review status: criteria provided, multiple submitters, no conflicts (2 of 4 stars). 2 submissions from 2 submitters: Likely benign (2). Last evaluated 2024-04-18.

Conditions:
Hereditary spastic paraplegia 11. Also called: Nakamura Osame syndrome; Autosomal recessive hereditary spastic paraplegia, mental impairment, and thin corpus callosum; Spastic Paraplegia 11; Spastic paraplegia, mental retardation and thin corpus callosum; SPASTIC PARAPLEGIA, AUTOSOMAL RECESSIVE, COMPLICATED, WITH THIN CORPUS CALLOSUM; SPASTIC PARAPLEGIA, AUTOSOMAL RECESSIVE, WITH MENTAL IMPAIRMENT AND THIN CORPUS CALLOSUM. Identifiers: Orphanet 2822, MedGen C1858479, MONDO:0011445, OMIM 604360.

Allele frequency attached by ClinVar (database versions not stated): gnomAD exomes below 0.00001.
gnomAD v4.1: 6 of 1,612,568 alleles (0.00037%); highest among the groups gnomAD compares: Non-Finnish European, 0.00051%; no homozygotes.

Submissions (2):

Labcorp Genetics (formerly Invitae), Labcorp
Classification: Likely benign for Hereditary spastic paraplegia 11. Last evaluated: 2024-04-18. Review status: criteria provided, single submitter. Criteria: Invitae Variant Classification Sherloc (09022015). Collection method: clinical testing. Allele origin: germline.

CeGaT Center for Human Genetics Tuebingen
Classification: Likely benign. Last evaluated: 2024-01-01. Review status: criteria provided, single submitter. Criteria: CeGaT Center For Human Genetics Tuebingen Variant Classification Criteria Version 2. Collection method: clinical testing. Allele origin: germline. Affected: yes. Observed: 1 variant allele.
Comment: SPG11: PM2:Supporting, BP4, BP7

NM_025137.4(SPG11):c.2223C>T (p.Ala741=)

Gene: SPG11 (SPG11 vesicle trafficking associated, spatacsin; minus strand). Cytogenetic location: 15q21.1.
Variant type: single nucleotide variant.
Coding change: c.2223C>T on transcript NM_025137.4 (MANE Select); coding-DNA position 2223, C replaced by T.
Protein change: p.Ala741=; no amino-acid change (alanine 741 retained).
Molecular consequence: synonymous variant.
Genome position (GRCh38, 1-based): chr15:44,626,352, G>A on the plus strand (C>T on the coding strand, the complement: SPG11 is on the minus strand). VCF-style: chr15-44626352-G-A. GRCh37 (hg19) VCF-style: chr15-44918550-G-A.
Other names: c.2223C>T, p.Ala741= (NM_001160227.2, NM_001411132.1).
Identifiers: ClinVar variation 3006795 (VCV003006795.25), dbSNP rs2505581454, ClinGen allele CA490205054.
Genomic context (GRCh38, chr15:44,626,352, plus strand): 5'-TTAAATACATTTTAAGACTTTATGGATTACACCACTCACCATATTCTTCAAAAGTTCAGA[G>A]GCTTCCTTTATATTGTTCTTTTTTAAATTGTCAAAGACCAAATTTAGGCCTATGCCAATA-3'
Protein context (NP_079413.3, residues 731-751): DNLKKNNIKE[Ala741=]SELLKNMGFD